The following is an entry in ClinVar:

NM_181458.4(PAX3):c.467G>T (p.Arg156Leu)

Gene: PAX3 (paired box 3; minus strand). Cytogenetic location: 2q36.1.
Variant type: single nucleotide variant.
Coding change: c.467G>T on transcript NM_181458.4 (MANE Select); coding-DNA position 467, G replaced by T.
Protein change: p.Arg156Leu; replaces arginine 156 with leucine.
Molecular consequence: missense variant.
Genome position (GRCh38, 1-based): chr2:222,294,286, C>A on the plus strand (G>T on the coding strand, the complement: PAX3 is on the minus strand). VCF-style: chr2-222294286-C-A. GRCh37 (hg19) VCF-style: chr2-223159005-C-A.
Other names: c.467G>T, p.Arg156Leu (NM_000438.6, NM_013942.5, NM_181457.4 and 3 more transcripts); c.464G>T, p.Arg155Leu (NM_001127366.3); short protein forms R155L, R156L.
Identifiers: ClinVar variation 1307188 (VCV001307188.2), dbSNP rs768608755, ClinGen allele CA2135715.

ClinVar aggregate classification (germline): Uncertain significance (1 of 4 stars; one submission).

Allele frequency attached by ClinVar (database versions not stated): gnomAD 0.00001; gnomAD exomes 0.00001; TOPMed 0.00001; ExAC 0.00002.
gnomAD v4.1: 4 of 1,614,072 alleles (0.00025%); highest among the groups gnomAD compares: South Asian, 0.0011%; no homozygotes.

Submission:

GeneDx
Classification: Uncertain significance. Last evaluated: 2019-03-05. Review status: criteria provided, single submitter. Criteria: GeneDx Variant Classification Process June 2021. Collection method: clinical testing. Allele origin: germline. Affected: yes.
Comment: In silico analysis, which includes protein predictors and evolutionary conservation, supports a deleterious effect; Has not been previously published as pathogenic or benign to our knowledge